The following is an entry in ClinVar:

NM_020975.6(RET):c.2730+1G>T

Gene: RET (ret proto-oncogene; plus strand). Cytogenetic location: 10q11.21.
Variant type: single nucleotide variant.
Coding change: c.2730+1G>T on transcript NM_020975.6 (MANE Select); the canonical splice donor site of the intron after coding-DNA position 2730, G replaced by T.
Molecular consequence: splice donor variant.
Genome position (GRCh38, 1-based): chr10:43,120,204, G>T. VCF-style: chr10-43120204-G-T. GRCh37 (hg19) VCF-style: chr10-43615652-G-T.
Other names: c.2730+1G>T (NM_020630.7, NM_001406743.1, NM_001406744.1 and 2 more transcripts); c.2595+1G>T (NM_001406765.1, NM_001406763.1); c.2334+1G>T (NM_001406772.1, NM_001406769.1); c.2292+1G>T (NM_001406773.1, NM_001406771.1); c.1833+1G>T (NM_001406782.1, NM_001406780.1, NM_001406779.1 and 1 more transcripts); c.1698+1G>T (NM_001406787.1); c.1713+1G>T (NM_001406785.1); c.2601+1G>T (NM_001406764.1, NM_001406762.1, NM_001406761.1); and 10 more.
Identifiers: ClinVar variation 4993834 (VCV004993834.1).

ClinVar aggregate classification (germline): Pathogenic (1 of 4 stars; one submission).

Conditions:
RET-related disorder. Also called: RET-related condition; RET-related disease; RET-related disorders.

Submission:

PreventionGenetics, part of Exact Sciences
Classification: Pathogenic for RET-related condition. Last evaluated: 2026-08-27. Review status: criteria provided, single submitter. Criteria: ACMG Guidelines, 2015. Collection method: clinical testing. Allele origin: germline.
Comment: The RET c.2730+1G>T variant is predicted to disrupt the GT donor site and interfere with normal splicing. This variant has been reported in an individual with Hirschsprung disease (Supplementary Table 4, Tang et al. 2018. PubMed ID: 30217742). This variant has not been reported in a large population database (gnomAD), indicating this variant is rare. At the time of reporting this variant is absent in ClinVar. Variants that disrupt the consensus splice donor site in RET are expected to be pathogenic. This variant is interpreted as pathogenic.